The following is an entry in ClinVar:

Single allele

Variant type: Deletion.
Identifiers: ClinVar variation 157305 (VCV000157305.2).

ClinVar aggregate classification (germline): not provided (0 of 4 stars; one submission).

Conditions:
Large for gestational age. Identifiers: MedGen C1848395, HP:0001520.

Submission:

Institute of Molecular and Cell Biology, University of Tartu
No classification provided. Condition: Large for gestational age. Review status: no classification provided. Collection method: case-control. Allele origin: unknown. Affected: yes. Study: Kasak2014.
Comment: The study aimed to determine the contribution of copy number variants in the genetic etiology of normal and complicated pregnancies. The samples represented (i) maternal blood DNA drawn from healthy pregnant women during 1st or 2nd trimester and (ii) maternal and paternal blood DNA drawn at term pregnancy cases representing normal and complicated gestations (severe preeclampsia, PE; gestational diabetes, GD; small-for-gestational age newborn, SGA; large-for-gestational age newborn, LGA). We performed CNV calling based on genome-wide genotyping dataset (Illumina HumanOmniExpress-24-v1 BeadChip) by applying three algorithms, QuantiSNP, GADA (Genome Alteration Detection Algorithm) and CNstream in parallel. The acquired CNV calls were merged with HD-CNV (Hotspot Detector for Copy Number Variants) program and only the CNVs predicted by at least two programs, were considered in subsequent analysis.

Literature cited by the submitters: PubMed 25666259.